The following is an entry in ClinVar:

NM_001048174.2(MUTYH):c.1120T>C (p.Trp374Arg)

Gene: MUTYH (mutY DNA glycosylase; minus strand). Cytogenetic location: 1p34.1.
Variant type: single nucleotide variant.
Coding change: c.1120T>C on transcript NM_001048174.2 (MANE Select); coding-DNA position 1120, T replaced by C.
Protein change: p.Trp374Arg; replaces tryptophan 374 with arginine.
Molecular consequence: missense variant. On other transcripts: non-coding transcript variant (2).
Genome position (GRCh38, 1-based): chr1:45,331,539, A>G on the plus strand (T>C on the coding strand, the complement: MUTYH is on the minus strand). VCF-style: chr1-45331539-A-G. GRCh37 (hg19) VCF-style: chr1-45797211-A-G.
Other names: c.1120T>C, p.Trp374Arg (NM_001048171.2, NM_001048173.2, NM_001293195.2); c.1123T>C, p.Trp375Arg (NM_001048172.2); c.1204T>C, p.Trp402Arg (NM_001128425.2); c.1165T>C, p.Trp389Arg (NM_001293190.2); c.1153T>C, p.Trp385Arg (NM_001293191.2); c.844T>C, p.Trp282Arg (NM_001293192.2, NM_001293196.2); c.775T>C, p.Trp259Arg (NM_001350650.2, NM_001350651.2); c.1195T>C, p.Trp399Arg (NM_012222.3); short protein forms W259R, W282R, W374R, W375R, W385R, W389R, W399R, W402R.
Identifiers: ClinVar variation 1011918 (VCV001011918.8), dbSNP rs1644859886, ClinGen allele CA340133145.

ClinVar aggregate classification (germline): Uncertain significance (1 of 4 stars; one submission).

Conditions:
Familial adenomatous polyposis 2. Also called: COLORECTAL ADENOMATOUS POLYPOSIS, AUTOSOMAL RECESSIVE; ADENOMAS, MULTIPLE COLORECTAL, AUTOSOMAL RECESSIVE; Adenomas, multiple colorectal; FAP type 2; MUTYH Polyposis; MUTYH-associated polyposis. Identifiers: Orphanet 220460, Orphanet 247798, MedGen C3272841, MONDO:0012041, OMIM 608456.

Submission:

Labcorp Genetics (formerly Invitae), Labcorp
Classification: Uncertain significance for Familial adenomatous polyposis 2. Last evaluated: 2020-06-25. Review status: criteria provided, single submitter. Criteria: Invitae Variant Classification Sherloc (09022015). Collection method: clinical testing. Allele origin: germline.
Comment: This variant is not present in population databases (ExAC no frequency). This sequence change replaces tryptophan with arginine at codon 402 of the MUTYH protein (p.Trp402Arg). The tryptophan residue is highly conserved and there is a moderate physicochemical difference between tryptophan and arginine. This variant has not been reported in the literature in individuals with MUTYH-related conditions. In summary, the available evidence is currently insufficient to determine the role of this variant in disease. Therefore, it has been classified as a Variant of Uncertain Significance. Algorithms developed to predict the effect of missense changes on protein structure and function (SIFT, PolyPhen-2, Align-GVGD) all suggest that this variant is likely to be disruptive, but these predictions have not been confirmed by published functional studies and their clinical significance is uncertain.